The following is an entry in ClinVar:

NM_138690.3(GRIN3B):c.2913C>T (p.Ala971=)

Gene: GRIN3B (glutamate ionotropic receptor NMDA type subunit 3B; plus strand). Cytogenetic location: 19p13.3.
Variant type: single nucleotide variant.
Coding change: c.2913C>T on transcript NM_138690.3 (MANE Select); coding-DNA position 2913, C replaced by T.
Protein change: p.Ala971=; no amino-acid change (alanine 971 retained).
Molecular consequence: synonymous variant.
Genome position (GRCh38, 1-based): chr19:1,009,383, C>T. VCF-style: chr19-1009383-C-T. GRCh37 (hg19) VCF-style: chr19-1009382-C-T.
Identifiers: ClinVar variation 2648884 (VCV002648884.24), dbSNP rs527728136, ClinGen allele CA9031016.

ClinVar aggregate classification (germline): Likely benign (1 of 4 stars; one submission).

Allele frequency attached by ClinVar (database versions not stated): 1000 Genomes Project 0.00180; 1000 Genomes Project 30x 0.00219; TOPMed 0.00379; gnomAD 0.00385; gnomAD exomes 0.00638; ExAC 0.00731.
gnomAD v4.1: 8,421 of 1,387,018 alleles (0.61%); highest among the groups gnomAD compares: Non-Finnish European, 0.7%; 32 homozygotes.

Submission:

CeGaT Center for Human Genetics Tuebingen
Classification: Likely benign. Last evaluated: 2024-02-01. Review status: criteria provided, single submitter. Criteria: CeGaT Center For Human Genetics Tuebingen Variant Classification Criteria Version 2. Collection method: clinical testing. Allele origin: germline. Affected: yes. Observed: 3 variant alleles.
Comment: GRIN3B: BP4, BP7, BS2